The following is an entry in ClinVar:

ClinVar aggregate classification (germline): Conflicting classifications of pathogenicity. Review status: criteria provided, conflicting classifications (1 of 4 stars). 2 submissions from 2 submitters: Uncertain significance (1); Likely benign (1). Last evaluated 2024-02-12.

Conditions:
Short-rib thoracic dysplasia 14 with polydactyly (SRTD14). Identifiers: Orphanet 397715, MedGen C4225286, MONDO:0014688, OMIM 616546.
Joubert syndrome 23 (JBTS23). Identifiers: Orphanet 475, MedGen C4084822, MONDO:0014664, OMIM 616490.

Allele frequency attached by ClinVar (database versions not stated): gnomAD exomes 0.00004 and 0.00009; ExAC 0.00015; gnomAD 0.00028 and 0.00032; TOPMed 0.00035; ESP Exome Variant Server 0.00043; 1000 Genomes Project 0.00060; 1000 Genomes Project 30x 0.00078.

Submissions (2):

Blueprint Genetics
Classification: Likely benign. Last evaluated: 2024-02-12. Review status: criteria provided, single submitter. Criteria: ACMG Guidelines, 2015. Collection method: clinical testing. Allele origin: germline.

Labcorp Genetics (formerly Invitae), Labcorp
Classification: Uncertain significance for Joubert syndrome 23; Short-rib thoracic dysplasia 14 with polydactyly. Last evaluated: 2022-10-13. Review status: criteria provided, single submitter. Criteria: Invitae Variant Classification Sherloc (09022015). Collection method: clinical testing. Allele origin: germline.
Comment: This sequence change replaces glutamine, which is neutral and polar, with histidine, which is basic and polar, at codon 522 of the KIAA0586 protein (p.Gln522His). This variant is present in population databases (rs200446131, gnomAD 0.1%). This variant has not been reported in the literature in individuals affected with KIAA0586-related conditions. ClinVar contains an entry for this variant (Variation ID: 1522463). Advanced modeling of protein sequence and biophysical properties (such as structural, functional, and spatial information, amino acid conservation, physicochemical variation, residue mobility, and thermodynamic stability) performed at Invitae indicates that this missense variant is not expected to disrupt KIAA0586 protein function. In summary, the available evidence is currently insufficient to determine the role of this variant in disease. Therefore, it has been classified as a Variant of Uncertain Significance.

NM_001329943.3(KIAA0586):c.1407G>T (p.Gln469His)

Gene: KIAA0586 (KIAA0586; plus strand). Cytogenetic location: 14q23.1.
Variant type: single nucleotide variant.
Coding change: c.1407G>T on transcript NM_001329943.3 (MANE Select); coding-DNA position 1407, G replaced by T.
Protein change: p.Gln469His; replaces glutamine 469 with histidine.
Molecular consequence: missense variant.
Genome position (GRCh38, 1-based): chr14:58,457,803, G>T. VCF-style: chr14-58457803-G-T. GRCh37 (hg19) VCF-style: chr14-58924521-G-T.
Other names: c.1566G>T, p.Gln522His (NM_001244189.2); c.1362G>T, p.Gln454His (NM_001244190.2); c.1152G>T, p.Gln384His (NM_001244191.2, NM_001329945.2, NM_001364700.1 and 1 more transcripts); c.1275G>T, p.Gln425His (NM_001244192.2); c.987G>T, p.Gln329His (NM_001244193.2); c.1407G>T, p.Gln469His (NM_001329944.2, NM_001329946.2, NM_001329947.2 and 1 more transcripts); short protein forms Q329H, Q425H, Q454H, Q469H, Q384H, Q522H.
Identifiers: ClinVar variation 1522463 (VCV001522463.4), dbSNP rs200446131, ClinGen allele CA7205654.
Genomic context (GRCh38, chr14:58,457,803, plus strand): 5'-CTTTTTTTCTTTTAAGCCAAAAGAATCTCTGAGTATGTTGAAGCTTCCAGATCTTCCACA[G>T]AATTCTGTTAAGCTTCAAACAACCAATACAACAAGATCTGTATTGAAAGATGCTGAGAAG-3'
Protein context (NP_001316872.1, residues 459-479): LSMLKLPDLP[Gln469His]NSVKLQTTNT